The following is an entry in ClinVar:

ClinVar aggregate classification (germline): Pathogenic (1 of 4 stars; one submission).

Conditions:
Osteopathia striata with cranial sclerosis (OSCS). Also called: HYPEROSTOSIS GENERALISATA WITH STRIATIONS. Identifiers: Orphanet 2780, MedGen C0432268, MONDO:0010310, OMIM 300373.

Submission:

Lupski Lab, Baylor-Hopkins CMG, Baylor College of Medicine
Classification: Pathogenic for Osteopathia striata with cranial sclerosis. Review status: criteria provided, single submitter. Criteria: ACMG Guidelines, 2015. Collection method: research. Allele origin: maternal. Inheritance: X-linked inheritance. Affected: yes. Observed: 1 variant allele, 1 hemizygote.
Comment: This hemizygous genetic variant (NM_152424.4 : c.1448C>G, p.Ser483*) causes a premature stop-gain causing a truncation in exon 2 of 2 at residue 483 of 1125. The serine amino acid at this position is highly conserved among other species. A CADD score of 35 has been calculated for this variant. Other nonsense or frameshifting variants have been noted nearby in ClinVar as pathogenic (c.1441del, p. Asp481fs*60; c.Arg1489del, p.Arg497Glufs*44; c.1489C>T p.Arg497Ter ). ACMG Criteria (Richards et al. 2015): PVS1: Null variant in a gene where loss of function is a known mechanism of disease PM2: Extremely low frequency in population databases PP4: Patient phenotype is highly specific for a disease with a single genetic etiology PP1: Variant co-segregates with disease in multiple affected family members in a gene known to cause disease. This evidence suggests this variant is pathogenic based on ACMG criteria and clinical correlation with patient phenotype.

NM_152424.4(AMER1):c.1448C>G (p.Ser483Ter)

Gene: AMER1 (APC membrane recruitment protein 1; minus strand). Cytogenetic location: Xq11.2.
Variant type: single nucleotide variant.
Coding change: c.1448C>G on transcript NM_152424.4 (MANE Select); coding-DNA position 1448, C replaced by G.
Protein change: p.Ser483Ter; replaces serine 483 with a stop codon.
Molecular consequence: nonsense.
Genome position (GRCh38, 1-based): chrX:64,191,839, G>C on the plus strand (C>G on the coding strand, the complement: AMER1 is on the minus strand). VCF-style: chrX-64191839-G-C. GRCh37 (hg19) VCF-style: chrX-63411719-G-C.
Other names: short protein forms S483*.
Identifiers: ClinVar variation 4871844 (VCV004871844.1).